The following is an entry in ClinVar:

NM_000302.4(PLOD1):c.689A>C (p.Asn230Thr)

Gene: PLOD1 (procollagen-lysine,2-oxoglutarate 5-dioxygenase 1; plus strand). Cytogenetic location: 1p36.22.
Variant type: single nucleotide variant.
Coding change: c.689A>C on transcript NM_000302.4 (MANE Select); coding-DNA position 689, A replaced by C.
Protein change: p.Asn230Thr; replaces asparagine 230 with threonine.
Molecular consequence: missense variant.
Genome position (GRCh38, 1-based): chr1:11,956,962, A>C. VCF-style: chr1-11956962-A-C. GRCh37 (hg19) VCF-style: chr1-12017019-A-C.
Other names: c.830A>C, p.Asn277Thr (NM_001316320.2); short protein forms N230T, N277T.
Identifiers: ClinVar variation 4888020 (VCV004888020.1).

ClinVar aggregate classification (germline): Uncertain significance (1 of 4 stars; one submission).

gnomAD v4.1: 1 of 1,613,636 alleles (0.000062%); highest among the groups gnomAD compares: Non-Finnish European, 0.000085%; no homozygotes.

Submission:

GeneDx
Classification: Uncertain significance. Last evaluated: 2026-01-29. Review status: criteria provided, single submitter. Criteria: GeneDx Variant Classification Process June 2021. Collection method: clinical testing. Allele origin: germline.
Comment: Not observed at significant frequency in large population cohorts (gnomAD); In silico analysis supports that this missense variant has a deleterious effect on protein structure/function; Has not been previously published as pathogenic or benign to our knowledge